The following is an entry in ClinVar:

ClinVar aggregate classification (germline): Uncertain significance. Review status: criteria provided, multiple submitters, no conflicts (2 of 4 stars). 3 submissions from 3 submitters: Uncertain significance (3). Last evaluated 2023-06-21.

Conditions:
Hereditary cancer-predisposing syndrome. Also called: Neoplastic Syndromes, Hereditary; Hereditary Cancer Syndrome; Hereditary neoplastic syndrome; Tumor predisposition. Identifiers: Orphanet 140162, MedGen C0027672, MeSH D009386, MONDO:0015356.
Cardiovascular phenotype. Identifiers: MedGen CN230736.
Neurofibromatosis, type 1 (NF1). Also called: Neurofibromatosis, type I; Peripheral type neurofibromatosis; VON RECKLINGHAUSEN DISEASE; NEUROFIBROMATOSIS, TYPE I, SOMATIC. Identifiers: Orphanet 636, MedGen C0027831, MONDO:0018975, OMIM 162200. Disease mechanism: loss of function.

Submissions (3):

Ambry Genetics
Classification: Uncertain significance for Cardiovascular phenotype; Hereditary cancer-predisposing syndrome. Last evaluated: 2023-06-21. Review status: criteria provided, single submitter. Criteria: Ambry Variant Classification Scheme 2023. Collection method: clinical testing. Allele origin: germline.
Comment: The p.Y1524C variant (also known as c.4571A>G), located in coding exon 34 of the NF1 gene, results from an A to G substitution at nucleotide position 4571. The tyrosine at codon 1524 is replaced by cysteine, an amino acid with highly dissimilar properties. This amino acid position is highly conserved in available vertebrate species. In addition, this alteration is predicted to be deleterious by in silico analysis. Since supporting evidence is limited at this time, the clinical significance of this alteration remains unclear.

Genome-Nilou Lab
Classification: Uncertain significance for Neurofibromatosis, type 1. Last evaluated: 2022-03-15. Review status: criteria provided, single submitter. Criteria: ACMG Guidelines, 2015. Collection method: clinical testing. Allele origin: germline. Affected: no.

Labcorp Genetics (formerly Invitae), Labcorp
Classification: Uncertain significance for Neurofibromatosis, type 1. Last evaluated: 2020-11-13. Review status: criteria provided, single submitter. Criteria: Invitae Variant Classification Sherloc (09022015). Collection method: clinical testing. Allele origin: germline.
Comment: This sequence change replaces tyrosine with cysteine at codon 1524 of the NF1 protein (p.Tyr1524Cys). The tyrosine residue is moderately conserved and there is a large physicochemical difference between tyrosine and cysteine. This variant is not present in population databases (ExAC no frequency). This variant has not been reported in the literature in individuals with NF1-related conditions. ClinVar contains an entry for this variant (Variation ID: 825012). Advanced modeling of protein sequence and biophysical properties (such as structural, functional, and spatial information, amino acid conservation, physicochemical variation, residue mobility, and thermodynamic stability) performed at Invitae indicates that this missense variant is expected to disrupt NF1 protein function. In summary, the available evidence is currently insufficient to determine the role of this variant in disease. Therefore, it has been classified as a Variant of Uncertain Significance.

NM_001042492.3(NF1):c.4634A>G (p.Tyr1545Cys)

Gene: NF1 (neurofibromin 1; plus strand). Cytogenetic location: 17q11.2.
Variant type: single nucleotide variant.
Coding change: c.4634A>G on transcript NM_001042492.3 (MANE Select); coding-DNA position 4634, A replaced by G.
Protein change: p.Tyr1545Cys; replaces tyrosine 1545 with cysteine.
Molecular consequence: missense variant.
Genome position (GRCh38, 1-based): chr17:31,261,767, A>G. VCF-style: chr17-31261767-A-G. GRCh37 (hg19) VCF-style: chr17-29588785-A-G.
Other names: c.4571A>G, p.Tyr1524Cys (NM_000267.4); short protein forms Y1524C, Y1545C.
Identifiers: ClinVar variation 825012 (VCV000825012.12), dbSNP rs1597748795, ClinGen allele CA399000298.